The following is an entry in ClinVar:

NM_002184.4(IL6ST):c.817C>G (p.Pro273Ala)

Gene: IL6ST (interleukin 6 cytokine family signal transducer; minus strand). Cytogenetic location: 5q11.2.
Variant type: single nucleotide variant.
Coding change: c.817C>G on transcript NM_002184.4 (MANE Select); coding-DNA position 817, C replaced by G.
Protein change: p.Pro273Ala; replaces proline 273 with alanine.
Molecular consequence: missense variant. On other transcripts: 5 prime UTR variant (3), non-coding transcript variant (2).
Genome position (GRCh38, 1-based): chr5:55,960,558, G>C on the plus strand (C>G on the coding strand, the complement: IL6ST is on the minus strand). VCF-style: chr5-55960558-G-C. GRCh37 (hg19) VCF-style: chr5-55256386-G-C.
Other names: c.817C>G, p.Pro273Ala (NM_001190981.2, NM_001364275.2, NM_175767.3); c.607C>G, p.Pro203Ala (NM_001364276.2); c.-97C>G (NM_001364277.2, NM_001364279.2); c.-87C>G (NM_001364278.2); short protein forms P203A, P273A.
Identifiers: ClinVar variation 2813778 (VCV002813778.3), dbSNP rs1353943002, ClinGen allele CA359765664.

ClinVar aggregate classification (germline): Uncertain significance (1 of 4 stars; one submission).

Submission:

Labcorp Genetics (formerly Invitae), Labcorp
Classification: Uncertain significance. Last evaluated: 2025-01-23. Review status: criteria provided, single submitter. Criteria: Invitae Variant Classification Sherloc (09022015). Collection method: clinical testing. Allele origin: germline.
Comment: This sequence change replaces proline, which is neutral and non-polar, with alanine, which is neutral and non-polar, at codon 273 of the IL6ST protein (p.Pro273Ala). This variant is not present in population databases (gnomAD no frequency). This variant has not been reported in the literature in individuals affected with IL6ST-related conditions. ClinVar contains an entry for this variant (Variation ID: 2813778). An algorithm developed to predict the effect of missense changes on protein structure and function (PolyPhen-2) suggests that this variant is likely to be disruptive. In summary, the available evidence is currently insufficient to determine the role of this variant in disease. Therefore, it has been classified as a Variant of Uncertain Significance.